The following is an entry in ClinVar:

NC_000016.9:g.(?_89816056)_(89816320_?)del

Gene: FANCA (FA complementation group A; minus strand). Cytogenetic location: 16q24.3.
Variant type: Deletion.
Identifiers: ClinVar variation 1071162 (VCV001071162.4).

ClinVar aggregate classification (germline): Pathogenic (1 of 4 stars; one submission).

Conditions:
Fanconi anemia (FA). Also called: Fanconi's anemia. Identifiers: Orphanet 84, MedGen C0015625, MeSH D005199, MONDO:0019391.

Submission:

Labcorp Genetics (formerly Invitae), Labcorp
Classification: Pathogenic for Fanconi anemia. Last evaluated: 2020-08-20. Review status: criteria provided, single submitter. Criteria: Invitae Variant Classification Sherloc (09022015). Collection method: clinical testing. Allele origin: germline.
Comment: This variant is an out-of-frame deletion of the genomic region encompassing exon(s) 32 of the FANCA gene. This is expected to create a premature translational stop signal and result in an absent or disrupted protein product. This variant has not been reported in the literature in individuals with FANCA-related conditions. Loss-of-function variants in FANCA are known to be pathogenic (PMID: 19367192). For these reasons, this variant has been classified as Pathogenic.

Literature cited by the submitters: PubMed 19367192.